The following is an entry in ClinVar:

NM_002838.5(PTPRC):c.1531C>A (p.Arg511Ser)

Gene: PTPRC (protein tyrosine phosphatase receptor type C; plus strand). Cytogenetic location: 1q32.1.
Variant type: single nucleotide variant.
Coding change: c.1531C>A on transcript NM_002838.5 (MANE Select); coding-DNA position 1531, C replaced by A.
Protein change: p.Arg511Ser; replaces arginine 511 with serine.
Molecular consequence: missense variant.
Genome position (GRCh38, 1-based): chr1:198,718,174, C>A. VCF-style: chr1-198718174-C-A. GRCh37 (hg19) VCF-style: chr1-198687303-C-A.
Other names: c.1048C>A, p.Arg350Ser (NM_080921.4); short protein forms R350S, R511S.
Identifiers: ClinVar variation 1441933 (VCV001441933.5), dbSNP rs746951007, ClinGen allele CA344039022.
Genomic context (GRCh38, chr1:198,718,174, plus strand): 5'-ATGACTGTCTCCATGACATCAGATAATAGTATGCATGTCAAGTGTAGGCCTCCCAGGGAC[C>A]GTAATGGCCCCCATGAACGTTACCATTTGGAAGTTGAAGCTGGAAATACTCTGGTTAGAA-3'
Protein context (NP_002829.3, residues 501-521): MHVKCRPPRD[Arg511Ser]NGPHERYHLE

ClinVar aggregate classification (germline): Uncertain significance (1 of 4 stars; one submission).

Conditions:
Immunodeficiency 104. Also called: SCID, AUTOSOMAL RECESSIVE, T CELL-NEGATIVE, B CELL-POSITIVE, NK CELL-POSITIVE; IMMUNODEFICIENCY 104, SEVERE COMBINED; Severe Combined Immune Deficiency, Autosomal Recessive, TCell -Negative, B Cell-Positive, NK Cell-Positive, IL7R-Related; Severe combined immunodeficiency, autosomal recessive, T cell-negative, B cell-positive, NK cell-positive. Identifiers: MedGen C5676890, MONDO:0012163, OMIM 608971.

gnomAD v4.1: 1 of 1,613,756 alleles (0.000062%); highest among the groups gnomAD compares: Non-Finnish European, 0.000085%; no homozygotes.

Submission:

Labcorp Genetics (formerly Invitae), Labcorp
Classification: Uncertain significance for Immunodeficiency 104. Last evaluated: 2021-08-22. Review status: criteria provided, single submitter. Criteria: Invitae Variant Classification Sherloc (09022015). Collection method: clinical testing. Allele origin: germline.
Comment: In summary, the available evidence is currently insufficient to determine the role of this variant in disease. Therefore, it has been classified as a Variant of Uncertain Significance. Algorithms developed to predict the effect of missense changes on protein structure and function (SIFT, PolyPhen-2, Align-GVGD) all suggest that this variant is likely to be tolerated. This variant has not been reported in the literature in individuals affected with PTPRC-related conditions. This variant is not present in population databases (ExAC no frequency). This sequence change replaces arginine with serine at codon 511 of the PTPRC protein (p.Arg511Ser). The arginine residue is weakly conserved and there is a moderate physicochemical difference between arginine and serine.